The following is an entry in ClinVar:

ClinVar aggregate classification (germline): Uncertain significance. Review status: criteria provided, multiple submitters, no conflicts (2 of 4 stars). 2 submissions from 2 submitters: Uncertain significance (2). Last evaluated 2024-06-14.

Allele frequency attached by ClinVar (database versions not stated): gnomAD 0.00003; TOPMed 0.00007; ESP Exome Variant Server 0.00008.
gnomAD v4.1: 58 of 1,614,238 alleles (0.0036%); highest among the groups gnomAD compares: Middle Eastern, 0.016%; no homozygotes.

Submissions (2):

Blueprint Genetics
Classification: Uncertain significance. Last evaluated: 2024-06-14. Review status: criteria provided, single submitter. Criteria: ACMG Guidelines, 2015. Collection method: clinical testing. Allele origin: germline.

Labcorp Genetics (formerly Invitae), Labcorp
Classification: Uncertain significance. Last evaluated: 2023-07-09. Review status: criteria provided, single submitter. Criteria: Invitae Variant Classification Sherloc (09022015). Collection method: clinical testing. Allele origin: germline.
Comment: This sequence change replaces valine, which is neutral and non-polar, with methionine, which is neutral and non-polar, at codon 79 of the EXTL3 protein (p.Val79Met). This variant is present in population databases (rs374083446, gnomAD 0.01%). This variant has not been reported in the literature in individuals affected with EXTL3-related conditions. ClinVar contains an entry for this variant (Variation ID: 1441253). Advanced modeling of protein sequence and biophysical properties (such as structural, functional, and spatial information, amino acid conservation, physicochemical variation, residue mobility, and thermodynamic stability) performed at Invitae indicates that this missense variant is not expected to disrupt EXTL3 protein function. In summary, the available evidence is currently insufficient to determine the role of this variant in disease. Therefore, it has been classified as a Variant of Uncertain Significance.

NM_001440.4(EXTL3):c.235G>A (p.Val79Met)

Gene: EXTL3 (exostosin like glycosyltransferase 3; plus strand). Cytogenetic location: 8p21.1.
Variant type: single nucleotide variant.
Coding change: c.235G>A on transcript NM_001440.4 (MANE Select); coding-DNA position 235, G replaced by A.
Protein change: p.Val79Met; replaces valine 79 with methionine.
Molecular consequence: missense variant.
Genome position (GRCh38, 1-based): chr8:28,716,294, G>A. VCF-style: chr8-28716294-G-A. GRCh37 (hg19) VCF-style: chr8-28573811-G-A.
Other names: short protein forms V79M.
Identifiers: ClinVar variation 1441253 (VCV001441253.5), dbSNP rs374083446, ClinGen allele CA4695960.
Genomic context (GRCh38, chr8:28,716,294, plus strand): 5'-GAGGCAGGCAAGCGGATTTTTGGTCCCCGGGTGGGGAACGAGCTGTGCGAGGTGAAGCAC[G>A]TGCTGGATCTGTGCCGCATCCGGGAGTCGGTGAGTGAAGAGCTCCTGCAGCTGGAGGCCA-3'
Protein context (NP_001431.1, residues 69-89): VGNELCEVKH[Val79Met]LDLCRIRESV